The following is an entry in ClinVar:

NM_000535.7(PMS2):c.1507T>G (p.Ser503Ala)

Gene: PMS2 (PMS1 homolog 2, mismatch repair system component; minus strand). Cytogenetic location: 7p22.1.
Variant type: single nucleotide variant.
Coding change: c.1507T>G on transcript NM_000535.7 (MANE Select); coding-DNA position 1507, T replaced by G.
Protein change: p.Ser503Ala; replaces serine 503 with alanine.
Molecular consequence: missense variant. On other transcripts: non-coding transcript variant (1).
Genome position (GRCh38, 1-based): chr7:5,987,258, A>C on the plus strand (T>G on the coding strand, the complement: PMS2 is on the minus strand). VCF-style: chr7-5987258-A-C. GRCh37 (hg19) VCF-style: chr7-6026889-A-C.
Other names: c.1102T>G, p.Ser368Ala (NM_001322003.2, NM_001322004.2, NM_001322005.2 and 1 more transcripts); c.1351T>G, p.Ser451Ala (NM_001322006.2); c.1189T>G, p.Ser397Ala (NM_001322007.2, NM_001322008.2); c.946T>G, p.Ser316Ala (NM_001322010.2); c.574T>G, p.Ser192Ala (NM_001322011.2, NM_001322012.2); c.934T>G, p.Ser312Ala (NM_001322013.2); c.1507T>G, p.Ser503Ala (NM_001322014.2); c.1198T>G, p.Ser400Ala (NM_001322015.2); short protein forms S503A, S368A, S400A, S192A, S397A, S312A, S316A, S451A.
Identifiers: ClinVar variation 220368 (VCV000220368.21), dbSNP rs864622497, ClinGen allele CA348407.
Genomic context (GRCh38, chr7:5,987,258, plus strand): 5'-AGCTGGCCGCATACTCGCTGCTGCAGTGACTGCCCGTGTCTGGGATGCTGAACCCCTCAG[A>C]ATCCACGGAAGTGCTGCCGTGCCCCGAGTCCTTCTCCACCTCCGCTCTGTCCGTAGGGTC-3'
Protein context (NP_000526.2, residues 493-513): DSGHGSTSVD[Ser503Ala]EGFSIPDTGS

ClinVar aggregate classification (germline): Uncertain significance. Review status: criteria provided, multiple submitters, no conflicts (2 of 4 stars). 6 submissions from 6 submitters: Uncertain significance (6). Last evaluated 2025-11-25.

Conditions:
Hereditary nonpolyposis colorectal neoplasms. Identifiers: MedGen C0009405, MeSH D003123.
Hereditary cancer-predisposing syndrome. Also called: Hereditary neoplastic syndrome; Tumor predisposition; Hereditary Cancer Syndrome; Neoplastic Syndromes, Hereditary. Identifiers: Orphanet 140162, MedGen C0027672, MeSH D009386, MONDO:0015356.

Allele frequency attached by ClinVar (database versions not stated): gnomAD exomes below 0.00001.
gnomAD v4.1: 2 of 1,614,104 alleles (0.00012%); highest among the groups gnomAD compares: Non-Finnish European, 0.00017%; no homozygotes.

Submissions (6):

Labcorp Genetics (formerly Invitae), Labcorp
Classification: Uncertain significance for Hereditary nonpolyposis colorectal neoplasms. Last evaluated: 2025-11-25. Review status: criteria provided, single submitter. Criteria: Invitae Variant Classification Sherloc (09022015). Collection method: clinical testing. Allele origin: germline.
Comment: This sequence change replaces serine, which is neutral and polar, with alanine, which is neutral and non-polar, at codon 503 of the PMS2 protein (p.Ser503Ala). This variant is not present in population databases (gnomAD no frequency). This variant has not been reported in the literature in individuals affected with PMS2-related conditions. ClinVar contains an entry for this variant (Variation ID: 220368). Invitae Evidence Modeling incorporating data from in vitro experimental studies (internal data) indicates that this missense variant is not expected to disrupt PMS2 function with a negative predictive value of 95%. In summary, the available evidence is currently insufficient to determine the role of this variant in disease. Therefore, it has been classified as a Variant of Uncertain Significance.

Ambry Genetics
Classification: Uncertain significance for Hereditary cancer-predisposing syndrome. Last evaluated: 2024-11-17. Review status: criteria provided, single submitter. Criteria: Ambry Variant Classification Scheme 2023. Collection method: clinical testing. Allele origin: germline.
Comment: The p.S503A variant (also known as c.1507T>G), located in coding exon 11 of the PMS2 gene, results from a T to G substitution at nucleotide position 1507. The serine at codon 503 is replaced by alanine, an amino acid with similar properties. This amino acid position is well conserved in available vertebrate species. In addition, this alteration is predicted to be tolerated by in silico analysis. Since supporting evidence is limited at this time, the clinical significance of this alteration remains unclear.

GeneDx
Classification: Uncertain significance. Last evaluated: 2023-11-20. Review status: criteria provided, single submitter. Criteria: GeneDx Variant Classification Process June 2021. Collection method: clinical testing. Allele origin: germline. Affected: yes.
Comment: Not observed at significant frequency in large population cohorts (gnomAD); In silico analysis supports that this missense variant does not alter protein structure/function; Has not been previously published as pathogenic or benign to our knowledge; This variant is associated with the following publications: (PMID: 17016615)

Women's Health and Genetics/Laboratory Corporation of America, LabCorp
Classification: Uncertain significance. Last evaluated: 2021-04-16. Review status: criteria provided, single submitter. Criteria: LabCorp Variant Classification Summary - May 2015. Collection method: clinical testing. Allele origin: germline.
Comment: Variant summary: PMS2 c.1507T>G (p.Ser503Ala) results in a conservative amino acid change in the encoded protein sequence. Five of five in-silico tools predict a benign effect of the variant on protein function. The variant was absent in 251398 control chromosomes (gnomAD). The available data on variant occurrences in the general population are insufficient to allow any conclusion about variant significance. c.1507T>G has been reported in the literature in an individual affected with invasive breast carcinoma (Balogh_2006). This report however, does not provide unequivocal conclusions about association of the variant with Hereditary Nonpolyposis Colorectal Cancer. To our knowledge, no experimental evidence demonstrating an impact on protein function has been reported. Four other ClinVar submitters (evaluation after 2014) cite the variant as uncertain significance. Based on the evidence outlined above, the variant was classified as uncertain significance.

Color Diagnostics, LLC DBA Color Health
Classification: Uncertain significance for Hereditary cancer-predisposing syndrome. Last evaluated: 2019-04-10. Review status: criteria provided, single submitter. Criteria: ACMG Guidelines, 2015. Collection method: clinical testing. Allele origin: germline.

PreventionGenetics, part of Exact Sciences
Classification: Uncertain significance. Last evaluated: 2017-12-21. Review status: criteria provided, single submitter. Criteria: ACMG Guidelines, 2015. Collection method: clinical testing. Allele origin: germline.

Literature cited by the submitters: PubMed 17016615 (cited by Women's Health and Genetics/Laboratory Corporation of America, LabCorp).